The following is an entry in ClinVar:

ClinVar aggregate classification (germline): Uncertain significance. Review status: criteria provided, multiple submitters, no conflicts (2 of 4 stars). 5 submissions from 5 submitters: Uncertain significance (4). 1 of the submissions does not count toward it. Last evaluated 2024-05-06.

Conditions:
Hereditary cancer-predisposing syndrome. Also called: Hereditary Cancer Syndrome; Neoplastic Syndromes, Hereditary; Tumor predisposition; Hereditary neoplastic syndrome. Identifiers: Orphanet 140162, MedGen C0027672, MeSH D009386, MONDO:0015356.
Familial cancer of breast. Also called: BREAST CANCER, FAMILIAL; Hereditary breast cancer; hereditary breast carcinoma. Identifiers: Orphanet 227535, MedGen C0346153, MONDO:0016419, OMIM 114480. Disease mechanism: loss of function.
Ataxia-telangiectasia syndrome (AT). Also called: Ataxia-telangiectasia, complementation group D; AT, COMPLEMENTATION GROUP C; ATAXIA-TELANGIECTASIA, COMPLEMENTATION GROUP A; ATAXIA-TELANGIECTASIA, FRESNO VARIANT; Ataxia-telangiectasia; LOUIS-BAR SYNDROME. Identifiers: Orphanet 100, MedGen C0004135, MONDO:0008840, OMIM 208900.

Allele frequency attached by ClinVar (database versions not stated): gnomAD exomes below 0.00001 and 0.00002; TOPMed below 0.00001; gnomAD 0.00001; ExAC 0.00002.

Submissions (5):

Labcorp Genetics (formerly Invitae), Labcorp
Classification: Uncertain significance for Ataxia-telangiectasia syndrome. Last evaluated: 2024-05-06. Review status: criteria provided, single submitter. Criteria: Invitae Variant Classification Sherloc (09022015). Collection method: clinical testing. Allele origin: germline.
Comment: This sequence change replaces methionine, which is neutral and non-polar, with valine, which is neutral and non-polar, at codon 125 of the ATM protein (p.Met125Val). This variant is present in population databases (rs761137313, gnomAD 0.01%). This variant has not been reported in the literature in individuals affected with ATM-related conditions. ClinVar contains an entry for this variant (Variation ID: 185907). An algorithm developed to predict the effect of missense changes on protein structure and function (PolyPhen-2) suggests that this variant¬†is likely to be tolerated. In summary, the available evidence is currently insufficient to determine the role of this variant in disease. Therefore, it has been classified as a Variant of Uncertain Significance.

Color Diagnostics, LLC DBA Color Health
Classification: Uncertain significance for Hereditary cancer-predisposing syndrome. Last evaluated: 2024-03-18. Review status: criteria provided, single submitter. Criteria: ACMG Guidelines, 2015. Collection method: clinical testing. Allele origin: germline.
Comment: This missense variant replaces methionine with valine at codon 125 of the ATM protein. Computational prediction suggests that this variant may not impact protein structure and function (internally defined REVEL score threshold <= 0.5, PMID: 27666373). To our knowledge, functional studies have not been reported for this variant. This variant has not been reported in individuals affected with ATM-related disorders in the literature. This variant has been identified in 4/251190 chromosomes in the general population by the Genome Aggregation Database (gnomAD). The available evidence is insufficient to determine the role of this variant in disease conclusively. Therefore, this variant is classified as a Variant of Uncertain Significance.

Ambry Genetics
Classification: Uncertain significance for Hereditary cancer-predisposing syndrome. Last evaluated: 2023-12-14. Review status: criteria provided, single submitter. Criteria: Ambry Variant Classification Scheme 2023. Collection method: clinical testing. Allele origin: germline.
Comment: The p.M125V variant (also known as c.373A>G), located in coding exon 4 of the ATM gene, results from an A to G substitution at nucleotide position 373. The methionine at codon 125 is replaced by valine, an amino acid with highly similar properties. This amino acid position is not well conserved in available vertebrate species. In addition, this alteration is predicted to be tolerated by in silico analysis. Since supporting evidence is limited at this time, the clinical significance of this alteration remains unclear.

Baylor Genetics
Classification: Uncertain significance for Familial cancer of breast. Last evaluated: 2023-08-31. Review status: criteria provided, single submitter. Criteria: ACMG Guidelines, 2015. Collection method: clinical testing. Allele origin: unknown.

Natera, Inc.
Classification: Uncertain significance for Ataxia-telangiectasia. Last evaluated: 2020-08-03. Review status: no assertion criteria provided. Collection method: clinical testing. Allele origin: germline. Not counted in ClinVar's aggregate classification.

NM_000051.4(ATM):c.373A>G (p.Met125Val)

Gene: ATM (ATM serine/threonine kinase; plus strand). Cytogenetic location: 11q22.3.
Variant type: single nucleotide variant.
Coding change: c.373A>G on transcript NM_000051.4 (MANE Select); coding-DNA position 373, A replaced by G.
Protein change: p.Met125Val; replaces methionine 125 with valine.
Molecular consequence: missense variant.
Genome position (GRCh38, 1-based): chr11:108,235,711, A>G. VCF-style: chr11-108235711-A-G. GRCh37 (hg19) VCF-style: chr11-108106438-A-G.
Other names: c.373A>G, p.Met125Val (NM_001351834.2); short protein forms M125V.
Identifiers: ClinVar variation 185907 (VCV000185907.19), dbSNP rs761137313, ClinGen allele CA193327.
Genomic context (GRCh38, chr11:108,235,711, plus strand): 5'-TTTGTTTATTTTGAAATAGGAGCACCTAGGCTAAAATGTCAAGAACTCTTAAATTATATC[A>G]TGGATACAGTGAAAGATTCATCTAATGGTGCTATTTACGGAGCTGATTGTAGCAACATAC-3'
Protein context (NP_000042.3, residues 115-135): LKCQELLNYI[Met125Val]DTVKDSSNGA